The following is an entry in ClinVar:

NM_001035.3(RYR2):c.13952G>C (p.Arg4651Thr)

Gene: RYR2 (ryanodine receptor 2; plus strand). Cytogenetic location: 1q43.
Variant type: single nucleotide variant.
Coding change: c.13952G>C on transcript NM_001035.3 (MANE Select); coding-DNA position 13952, G replaced by C.
Protein change: p.Arg4651Thr; replaces arginine 4651 with threonine.
Molecular consequence: missense variant.
Genome position (GRCh38, 1-based): chr1:237,795,327, G>C. VCF-style: chr1-237795327-G-C. GRCh37 (hg19) VCF-style: chr1-237958627-G-C.
Other names: short protein forms R4651T.
Identifiers: ClinVar variation 4540191 (VCV004540191.1).
Genomic context (GRCh38, chr1:237,795,327, plus strand): 5'-TCTATGCTTTTGTATATTTTAGGTCATTTCCCAACAACTACTGGGACAAATTTGTTAAAA[G>C]AAAGGTAATATTACTTGGAATCCTCTACATTTTTCTTAAAGCACAGTTTAGATTTTTATT-3'
Protein context (NP_001026.2, residues 4641-4661): PNNYWDKFVK[Arg4651Thr]KVMDKYGEFY

ClinVar aggregate classification (germline): Uncertain significance (1 of 4 stars; one submission).

Submission:

GeneDx
Classification: Uncertain significance. Last evaluated: 2025-06-24. Review status: criteria provided, single submitter. Criteria: GeneDx Variant Classification Process June 2021. Collection method: clinical testing. Allele origin: germline. Affected: yes.
Comment: Not observed at significant frequency in large population cohorts (gnomAD); In silico analysis supports that this missense variant has a deleterious effect on protein structure/function; Has not been previously published as pathogenic or benign to our knowledge; Located in one of the three hot-spot regions of the RYR2 gene, where the majority of pathogenic missense variants occur (PMID: 19926015); This variant is associated with the following publications: (PMID: 19926015)